The following is an entry in ClinVar:

ClinVar aggregate classification (germline): Uncertain significance (1 of 4 stars; one submission).

Conditions:
Fanconi anemia (FA). Also called: Fanconi's anemia. Identifiers: Orphanet 84, MedGen C0015625, MeSH D005199, MONDO:0019391.

Submission:

Labcorp Genetics (formerly Invitae), Labcorp
Classification: Uncertain significance for Fanconi anemia. Last evaluated: 2023-01-01. Review status: criteria provided, single submitter. Criteria: Invitae Variant Classification Sherloc (09022015). Collection method: clinical testing. Allele origin: germline.
Comment: This variant is not present in population databases (gnomAD no frequency). In summary, the available evidence is currently insufficient to determine the role of this variant in disease. Therefore, it has been classified as a Variant of Uncertain Significance. Algorithms developed to predict the effect of missense changes on protein structure and function output the following: SIFT: "Tolerated"; PolyPhen-2: "Benign"; Align-GVGD: "Class C0". The arginine amino acid residue is found in multiple mammalian species, which suggests that this missense change does not adversely affect protein function. This variant has not been reported in the literature in individuals affected with SLX4-related conditions. This sequence change replaces glycine, which is neutral and non-polar, with arginine, which is basic and polar, at codon 1471 of the SLX4 protein (p.Gly1471Arg).

NM_032444.4(SLX4):c.4411G>A (p.Gly1471Arg)

Gene: SLX4 (SLX4 structure-specific endonuclease subunit; minus strand). Cytogenetic location: 16p13.3.
Variant type: single nucleotide variant.
Coding change: c.4411G>A on transcript NM_032444.4 (MANE Select); coding-DNA position 4411, G replaced by A.
Protein change: p.Gly1471Arg; replaces glycine 1471 with arginine.
Molecular consequence: missense variant.
Genome position (GRCh38, 1-based): chr16:3,589,227, C>T on the plus strand (G>A on the coding strand, the complement: SLX4 is on the minus strand). VCF-style: chr16-3589227-C-T. GRCh37 (hg19) VCF-style: chr16-3639228-C-T.
Other names: short protein forms G1471R.
Identifiers: ClinVar variation 2916324 (VCV002916324.1), dbSNP rs2151121289, ClinGen allele CA394517195.
Genomic context (GRCh38, chr16:3,589,227, plus strand): 5'-TCTCTTGCAATTTCCTCTGGGTAGTGCAGCTTCCTCGGATGGGGGTGGTGTCCAGGAGTC[C>T]CGGGGAGCGACAGTCACGGCTGTCGGCGGCCTCGTTCATCCTGCGGCTGGGGCTGCTGGT-3'
Protein context (NP_115820.2, residues 1461-1481): AADSRDCRSP[Gly1471Arg]LLDTTPIRGS